The following is an entry in ClinVar:

ClinVar aggregate classification (germline): Pathogenic. Review status: criteria provided, multiple submitters, no conflicts (2 of 4 stars). 4 submissions from 4 submitters: Pathogenic (3). 1 of the submissions does not count toward it. Last evaluated 2025-08-18.

Conditions:
Amyotrophic lateral sclerosis type 1 (ALS1). Also called: AMYOTROPHIC LATERAL SCLEROSIS 1, FAMILIAL. Identifiers: Orphanet 803, MedGen C1862939, MONDO:0007103, OMIM 105400.

Allele frequency attached by ClinVar (database versions not stated): gnomAD exomes below 0.00001.

Submissions (4):

Labcorp Genetics (formerly Invitae), Labcorp
Classification: Pathogenic for Amyotrophic lateral sclerosis type 1. Last evaluated: 2025-08-18. Review status: criteria provided, single submitter. Criteria: Invitae Variant Classification Sherloc (09022015). Collection method: clinical testing. Allele origin: germline.
Comment: This sequence change replaces alanine, which is neutral and non-polar, with threonine, which is neutral and polar, at codon 5 of the SOD1 protein (p.Ala5Thr). The frequency data for this variant in the population databases is considered unreliable, as metrics indicate poor data quality at this position in the gnomAD database. This missense change has been observed in individuals with autosomal dominant amyotrophic lateral sclerosis (PMID: 8179602, 12792143, 17543992, 22292843). It has also been observed to segregate with disease in related individuals. This variant is also known as p.Ala4Thr. ClinVar contains an entry for this variant (Variation ID: 14765). Invitae Evidence Modeling of protein sequence and biophysical properties (such as structural, functional, and spatial information, amino acid conservation, physicochemical variation, residue mobility, and thermodynamic stability) indicates that this missense variant is expected to disrupt SOD1 protein function with a positive predictive value of 95%. Experimental studies have shown that this missense change affects SOD1 function (PMID: 8179602, 17543992, 21257910, 23280792, 26362407). This variant disrupts the p.Ala5 amino acid residue in SOD1. Other variant(s) that disrupt this residue have been determined to be pathogenic (PMID: 7951249, 8351519, 19176896, 19618436). This suggests that this residue is clinically significant, and that variants that disrupt this residue are likely to be disease-causing. For these reasons, this variant has been classified as Pathogenic.

Suna and Inan Kirac Foundation Neurodegeneration Research Laboratory, Koc University
Classification: Pathogenic for Amyotrophic lateral sclerosis type 1. Last evaluated: 2020-03-31. Review status: criteria provided, single submitter. Criteria: ACMG Guidelines, 2015. Collection method: research. Allele origin: germline. Affected: yes. Observed: 1 variant allele.

Athena Diagnostics
Classification: Pathogenic. Last evaluated: 2017-03-09. Review status: criteria provided, single submitter. Criteria: Athena Diagnostics Criteria. Collection method: clinical testing. Allele origin: germline.

OMIM
Classification: Pathogenic for AMYOTROPHIC LATERAL SCLEROSIS 1. Last evaluated: 1994-06-11. Review status: no assertion criteria provided. Collection method: literature only. Allele origin: germline. Not counted in ClinVar's aggregate classification.

Literature cited by the submitters: PubMed 8179602 (cited by 3 submitters); PubMed 12792143 (cited by Labcorp Genetics (formerly Invitae), Labcorp and Athena Diagnostics); PubMed 17543992 (cited by Labcorp Genetics (formerly Invitae), Labcorp and Athena Diagnostics); PubMed 22292843 (cited by Labcorp Genetics (formerly Invitae), Labcorp and Athena Diagnostics); PubMed 21257910 (cited by Labcorp Genetics (formerly Invitae), Labcorp and Athena Diagnostics); PubMed 23280792 (cited by Labcorp Genetics (formerly Invitae), Labcorp and Athena Diagnostics); PubMed 26362407 (cited by Labcorp Genetics (formerly Invitae), Labcorp and Athena Diagnostics); PubMed 7951249 (cited by Labcorp Genetics (formerly Invitae), Labcorp); PubMed 8351519 (cited by Labcorp Genetics (formerly Invitae), Labcorp); PubMed 19176896 (cited by Labcorp Genetics (formerly Invitae), Labcorp); PubMed 19618436 (cited by Labcorp Genetics (formerly Invitae), Labcorp); PubMed 7985500 (cited by Athena Diagnostics); PubMed 18666828 (cited by Athena Diagnostics); PubMed 27257061 (cited by Athena Diagnostics); PubMed 20184515 (cited by Athena Diagnostics); PubMed 16291929 (cited by Athena Diagnostics); PubMed 14506936 (cited by Athena Diagnostics); PubMed 23447461 (cited by Athena Diagnostics); PubMed 15579468 (cited by Athena Diagnostics); PubMed 14970233 (cited by Athena Diagnostics); PubMed 26843957 (cited by Athena Diagnostics); PubMed 18055113 (cited by Athena Diagnostics); PubMed 19815002 (cited by Athena Diagnostics); PubMed 7655471 (cited by Athena Diagnostics); PubMed 17333220 (cited by Athena Diagnostics); PubMed 17319283 (cited by Athena Diagnostics); PubMed 24971881 (cited by Athena Diagnostics); PubMed 27261500 (cited by Athena Diagnostics); PubMed 23541756 (cited by Athena Diagnostics); PubMed 11464950 (cited by Athena Diagnostics); PubMed 9857958 (cited by Athena Diagnostics); PubMed 16038516 (cited by Athena Diagnostics); PubMed 22941224 (cited by Athena Diagnostics); PubMed 19483195 (cited by Athena Diagnostics); PubMed 8830861 (cited by Athena Diagnostics); PubMed 7911198 (cited by OMIM).

NM_000454.5(SOD1):c.13G>A (p.Ala5Thr)

Genes: SOD1 (superoxide dismutase 1; plus strand), SOD1-DT (SOD1 divergent transcript; minus strand). Cytogenetic location: 21q22.11.
Variant type: single nucleotide variant.
Coding change: c.13G>A on transcript NM_000454.5 (MANE Select); coding-DNA position 13, G replaced by A.
Protein change: p.Ala5Thr; replaces alanine 5 with threonine.
Molecular consequence: missense variant.
Genome position (GRCh38, 1-based): chr21:31,659,782, G>A. VCF-style: chr21-31659782-G-A. GRCh37 (hg19) VCF-style: chr21-33032095-G-A.
Other names: A4T; short protein forms A5T.
Identifiers: ClinVar variation 14765 (VCV000014765.9), dbSNP rs121912444, ClinGen allele CA257337.